The following is an entry in ClinVar:

ClinVar aggregate classification (germline): Likely pathogenic (1 of 4 stars; one submission).

Conditions:
Refsum disease, classic. Also called: PHYH-Related Refsum Disease; HEREDOPATHIA ATACTICA POLYNEURITIFORMIS; HMSN IV; PHYTANIC ACID OXIDASE DEFICIENCY. Identifiers: Orphanet 773, MedGen C5780941, MONDO:1060256, OMIM 266500. Disease mechanism: loss of function.

Submission:

Myriad Genetics, Inc.
Classification: Likely pathogenic for Refsum disease, classic. Last evaluated: 2022-03-02. Review status: criteria provided, single submitter. Criteria: Myriad Women's Health Autosomal Recessive and X-Linked Classification Criteria (2021). Collection method: clinical testing. Allele origin: unknown.
Comment: NM_006214.3(PHYH):c.549_550delCAinsT(R184Gfs*34) is expected to be pathogenic in the context of PHYH-related refsum disease. This variant is predicted to lead to an abnormal or absent protein product due to the creation of a premature termination codon in PHYH, a gene where loss-of-function variants are known to be pathogenic. Please note: this variant was assessed in the context of healthy population screening.

NM_006214.4(PHYH):c.549_550delinsT (p.Arg184fs)

Gene: PHYH (phytanoyl-CoA 2-hydroxylase; minus strand). Cytogenetic location: 10p13.
Variant type: Indel.
Coding change: c.549_550delinsT on transcript NM_006214.4 (MANE Select); coding-DNA positions 549 to 550, CA replaced by T.
Protein change: p.Arg184fs; shifts the reading frame from arginine 184.
Molecular consequence: frameshift variant. On other transcripts: intron variant (1).
Genome position (GRCh38, 1-based): chr10:13,288,488-13,288,489, TG replaced by A on the plus strand (CA replaced by T on the coding strand, the reverse complement: PHYH is on the minus strand). VCF-style: chr10-13288488-TG-A. GRCh37 (hg19) VCF-style: chr10-13330488-TG-A.
Other names: c.249_250delinsT, p.Arg84fs (NM_001037537.2, NM_001323080.2); c.555_556delinsT, p.Arg186fs (NM_001323082.2); c.255_256delinsT, p.Arg86fs (NM_001323084.2); c.415-4650_415-4649delinsT (NM_001323083.2); short protein forms R184fs, R186fs, R84fs, R86fs.
Identifiers: ClinVar variation 1724882 (VCV001724882.2), dbSNP rs2538643445, ClinGen allele CA2580081349.